The following is an entry in ClinVar:

ClinVar aggregate classification (germline): Likely benign. Review status: criteria provided, multiple submitters, no conflicts (2 of 4 stars). 2 submissions from 2 submitters: Likely benign (2). Last evaluated 2026-01-26.

Conditions:
TCAP-related disorder. Also called: TCAP-related condition.

Allele frequency attached by ClinVar (database versions not stated): TOPMed below 0.00001; gnomAD 0.00001.
gnomAD v4.1: 1 of 1,599,388 alleles (0.000063%); no homozygotes.

Submissions (2):

PreventionGenetics, part of Exact Sciences
Classification: Likely benign for TCAP-related condition. Last evaluated: 2026-01-26. Review status: criteria provided, single submitter. Criteria: ACMG Guidelines, 2015. Collection method: clinical testing. Allele origin: germline.
Comment: This variant is classified as likely benign based on ACMG/AMP sequence variant interpretation guidelines (Richards et al. 2015 PMID: 25741868, with internal and published modifications).

GeneDx
Classification: Likely benign. Last evaluated: 2023-10-09. Review status: criteria provided, single submitter. Criteria: GeneDx Variant Classification Process June 2021. Collection method: clinical testing. Allele origin: germline. Affected: yes.
Comment: See Variant Classification Assertion Criteria.

NM_003673.4(TCAP):c.*4G>A

Gene: TCAP (titin-cap; plus strand). Cytogenetic location: 17q12.
Variant type: single nucleotide variant.
Coding change: c.*4G>A on transcript NM_003673.4 (MANE Select); 4 bases downstream of the stop codon, G replaced by A.
Molecular consequence: 3 prime UTR variant.
Genome position (GRCh38, 1-based): chr17:39,666,113, G>A. VCF-style: chr17-39666113-G-A. GRCh37 (hg19) VCF-style: chr17-37822366-G-A.
Other names: c.*4G>A (NM_003673.3).
Identifiers: ClinVar variation 1194283 (VCV001194283.4), dbSNP rs1597805857, ClinGen allele CA983629857.